The following is an entry in ClinVar:

ClinVar aggregate classification (germline): Uncertain significance (1 of 4 stars; one submission).

Submission:

GeneDx
Classification: Uncertain significance. Last evaluated: 2024-12-26. Review status: criteria provided, single submitter. Criteria: GeneDx Variant Classification Process June 2021. Collection method: clinical testing. Allele origin: germline. Affected: yes.
Comment: Not observed at significant frequency in large population cohorts (gnomAD); In silico analysis indicates that this missense variant does not alter protein structure/function; Has not been previously published as pathogenic or benign to our knowledge

NM_018109.4(MTPAP):c.448A>C (p.Asn150His)

Gene: MTPAP (mitochondrial poly(A) polymerase; minus strand). Cytogenetic location: 10p11.23.
Variant type: single nucleotide variant.
Coding change: c.448A>C on transcript NM_018109.4 (MANE Select); coding-DNA position 448, A replaced by C.
Protein change: p.Asn150His; replaces asparagine 150 with histidine.
Molecular consequence: missense variant.
Genome position (GRCh38, 1-based): chr10:30,340,333, T>G on the plus strand (A>C on the coding strand, the complement: MTPAP is on the minus strand). VCF-style: chr10-30340333-T-G. GRCh37 (hg19) VCF-style: chr10-30629262-T-G.
Other names: short protein forms N150H.
Identifiers: ClinVar variation 3907967 (VCV003907967.1).